The following is an entry in ClinVar:

NM_001267550.2(TTN):c.34969C>T (p.Arg11657Cys)

Gene: TTN (titin; minus strand). Cytogenetic location: 2q31.2.
Variant type: single nucleotide variant.
Coding change: c.34969C>T on transcript NM_001267550.2 (MANE Select); coding-DNA position 34969, C replaced by T.
Protein change: p.Arg11657Cys; replaces arginine 11657 with cysteine.
Molecular consequence: missense variant. On other transcripts: intron variant (3).
Genome position (GRCh38, 1-based): chr2:178,672,229, G>A on the plus strand (C>T on the coding strand, the complement: TTN is on the minus strand). VCF-style: chr2-178672229-G-A. GRCh37 (hg19) VCF-style: chr2-179536956-G-A.
Other names: p.Arg11283Cys; c.34969C>T (NM_001267550.1); c.33847C>T, p.Arg11283Cys (NM_001256850.1); c.31066C>T, p.Arg10356Cys (NM_133378.4); c.13283-29912C>T (NM_003319.4); c.13859-29912C>T (NM_133437.4); c.13658-29912C>T (NM_133432.3); short protein forms R11657C, R10356C, R11283C.
Identifiers: ClinVar variation 535581 (VCV000535581.11), dbSNP rs1187808745, ClinGen allele CA349518892.
Genomic context (GRCh38, chr2:178,672,229, plus strand): 5'-CTTCCACTTCTGCTTCTACTACTTCTAATTCTAGTCTTTCTTTTACTACTACTTCTTGGC[G>A]GAAGGCAACTGATACTTTTTCTTCAAGGACAGTTCTCCCTGAAAGAGCATCTATTTTAAG-3'
Protein context (NP_001254479.2, residues 11647-11667): VLEEKVSVAF[Arg11657Cys]QEVVVKERLE

ClinVar aggregate classification (germline): Uncertain significance. Review status: criteria provided, multiple submitters, no conflicts (2 of 4 stars). 4 submissions from 4 submitters: Uncertain significance (4). Last evaluated 2025-05-29.

Conditions:
Dilated cardiomyopathy 1G (CMD1G). Identifiers: Orphanet 154, MedGen C1858763, MONDO:0011400, OMIM 604145.
Autosomal recessive limb-girdle muscular dystrophy type 2J (LGMDR10). Also called: MUSCULAR DYSTROPHY, LIMB-GIRDLE, AUTOSOMAL RECESSIVE 10; Limb-girdle muscular dystrophy, type 2J. Identifiers: Orphanet 140922, MedGen C1837342, MONDO:0012127, OMIM 608807.
TTN-related disorder. Also called: TTN-related condition; TTN-related disease; TTN-related disorders.

Allele frequency attached by ClinVar (database versions not stated): gnomAD 0.00001; gnomAD exomes 0.00001; TOPMed 0.00002.
gnomAD v4.1: 12 of 1,567,076 alleles (0.00077%); highest among the groups gnomAD compares: South Asian, 0.0011%; no homozygotes.

Submissions (4):

PreventionGenetics, part of Exact Sciences
Classification: Uncertain significance for TTN-related condition. Last evaluated: 2025-05-29. Review status: criteria provided, single submitter. Criteria: ACMG Guidelines, 2015. Collection method: clinical testing. Allele origin: germline.
Comment: The TTN c.34969C>T variant is predicted to result in the amino acid substitution p.Arg11657Cys. To our knowledge, this variant has not been reported in the literature. This variant is reported in 0.0014% of alleles in individuals of European (Non-Finnish) descent in gnomAD. At this time, the clinical significance of this variant is uncertain due to the absence of conclusive functional and genetic evidence.

GeneDx
Classification: Uncertain significance. Last evaluated: 2024-09-10. Review status: criteria provided, single submitter. Criteria: GeneDx Variant Classification Process June 2021. Collection method: clinical testing. Allele origin: germline. Affected: yes.
Comment: Not observed at significant frequency in large population cohorts (gnomAD); Missense variant in a gene in which most reported pathogenic variants are truncating/loss of function; Has not been previously published as pathogenic or benign to our knowledge; Located in a region of TTN within the I-band in which the majority of loss of function variants are significantly associated with autosomal dominant titinopathies (PMID: 27625338, 27869827)

Mayo Clinic Laboratories, Mayo Clinic
Classification: Uncertain significance. Last evaluated: 2022-01-10. Review status: criteria provided, single submitter. Criteria: ACMG Guidelines, 2015. Collection method: clinical testing. Allele origin: germline.

Labcorp Genetics (formerly Invitae), Labcorp
Classification: Uncertain significance for Dilated cardiomyopathy 1G; Autosomal recessive limb-girdle muscular dystrophy type 2J. Last evaluated: 2017-12-12. Review status: criteria provided, single submitter. Criteria: Invitae Variant Classification Sherloc (09022015). Collection method: clinical testing. Allele origin: germline.